The following is an entry in ClinVar:

ClinVar aggregate classification (germline): Benign/Likely benign. Review status: criteria provided, multiple submitters, no conflicts (2 of 4 stars). 5 submissions from 5 submitters: Benign (1); Likely benign (4). Last evaluated 2025-09-03.

Conditions:
Familial cancer of breast. Also called: BREAST CANCER, FAMILIAL; hereditary breast carcinoma; Hereditary breast cancer. Identifiers: Orphanet 227535, MedGen C0346153, MONDO:0016419, OMIM 114480. Disease mechanism: loss of function.
Hereditary cancer-predisposing syndrome. Also called: Hereditary Cancer Syndrome; Neoplastic Syndromes, Hereditary; Tumor predisposition; Hereditary neoplastic syndrome. Identifiers: Orphanet 140162, MedGen C0027672, MeSH D009386, MONDO:0015356.

Submissions (5):

Labcorp Genetics (formerly Invitae), Labcorp
Classification: Likely benign for Familial cancer of breast. Last evaluated: 2025-09-03. Review status: criteria provided, single submitter. Criteria: Invitae Variant Classification Sherloc (09022015). Collection method: clinical testing. Allele origin: germline.

Myriad Genetics, Inc.
Classification: Benign for Familial cancer of breast. Last evaluated: 2025-01-21. Review status: criteria provided, single submitter. Criteria: Myriad Autosomal Dominant, Autosomal Recessive and X-Linked Classification Criteria (2023). Collection method: clinical testing. Allele origin: unknown.
Comment: This variant is considered benign. This variant is a silent/synonymous amino acid change and it is not expected to impact splicing.

Color Diagnostics, LLC DBA Color Health
Classification: Likely benign for Hereditary cancer-predisposing syndrome. Last evaluated: 2024-06-03. Review status: criteria provided, single submitter. Criteria: ACMG Guidelines, 2015. Collection method: clinical testing. Allele origin: germline.

Ambry Genetics
Classification: Likely benign for Hereditary cancer-predisposing syndrome. Last evaluated: 2019-06-21. Review status: criteria provided, single submitter. Criteria: Ambry Variant Classification Scheme 2023. Collection method: clinical testing. Allele origin: germline.

GeneDx
Classification: Likely benign. Last evaluated: 2017-08-23. Review status: criteria provided, single submitter. Criteria: GeneDx Variant Classification (06012015). Collection method: clinical testing. Allele origin: germline. Affected: yes.
Comment: This variant is considered likely benign or benign based on one or more of the following criteria: it is a conservative change, it occurs at a poorly conserved position in the protein, it is predicted to be benign by multiple in silico algorithms, and/or has population frequency not consistent with disease.

NM_024675.4(PALB2):c.3210C>T (p.Leu1070=)

Gene: PALB2 (partner and localizer of BRCA2; minus strand). Cytogenetic location: 16p12.2.
Variant type: single nucleotide variant.
Coding change: c.3210C>T on transcript NM_024675.4 (MANE Select); coding-DNA position 3210, C replaced by T.
Protein change: p.Leu1070=; no amino-acid change (leucine 1070 retained).
Molecular consequence: synonymous variant.
Genome position (GRCh38, 1-based): chr16:23,608,004, G>A on the plus strand (C>T on the coding strand, the complement: PALB2 is on the minus strand). VCF-style: chr16-23608004-G-A. GRCh37 (hg19) VCF-style: chr16-23619325-G-A.
Identifiers: ClinVar variation 516317 (VCV000516317.14), dbSNP rs876659540, ClinGen allele CA494175911.